The following is an entry in ClinVar:

ClinVar aggregate classification (germline): Uncertain significance (1 of 4 stars; one submission).

Submission:

ISCA site 14
Classification: Uncertain significance. Last evaluated: 2011-08-12. Review status: criteria provided, single submitter. Criteria: Kaminsky et al. (Genet Med. 2011). Collection method: clinical testing. Allele origin: paternal. Affected: yes. Observed: 1 variant allele.
Comment: Copy number variation identified through the course of routine clinical cytogenomic testing in postnatal populations. Clinical assertions have been curated as described in Kaminsky et al. 2011.

GRCh38/hg38 6q14.3(chr6:86044776-86906081)x3

Genes: LOC121132698 (Sharpr-MPRA regulatory region 4618; plus strand), LOC126859728 (MED14-independent group 3 enhancer GRCh37_chr6:87291002-87292201; plus strand), LOC126859729 (MED14-independent group 3 enhancer GRCh37_chr6:87433363-87434562; plus strand), LOC126859730 (BRD4-independent group 4 enhancer GRCh37_chr6:87497596-87498795; plus strand), LOC129389571 (MPRA-validated peak5941 silencer; plus strand). Cytogenetic location: 6q14.3.
Variant type: copy number gain.
Change: copy number 3 (three copies instead of two) of chr6:86,044,776-86,906,081 (861.3 kb, GRCh38 coordinates, 1-based), cytogenetic band 6q14.3.
Identifiers: ClinVar variation 59523 (VCV000059523.1).